The following is an entry in ClinVar:

ClinVar aggregate classification (germline): Likely benign (0 of 4 stars; one submission).

Conditions:
PLXNA1-related disorder. Also called: PLXNA1-related condition.

Allele frequency attached by ClinVar (database versions not stated): TOPMed 0.00002; gnomAD 0.00003; gnomAD exomes 0.00003.
gnomAD v4.1: 50 of 1,613,720 alleles (0.0031%); highest among the groups gnomAD compares: Non-Finnish European, 0.0042%; no homozygotes.

Submission:

PreventionGenetics, part of Exact Sciences
Classification: Likely benign for PLXNA1-related condition. Last evaluated: 2023-09-20. Review status: no assertion criteria provided. Collection method: clinical testing. Allele origin: germline.
Comment: This variant is classified as likely benign based on ACMG/AMP sequence variant interpretation guidelines (Richards et al. 2015 PMID: 25741868, with internal and published modifications).

NM_032242.4(PLXNA1):c.5253G>A (p.Val1751=)

Gene: PLXNA1 (plexin A1; plus strand). Cytogenetic location: 3q21.3.
Variant type: single nucleotide variant.
Coding change: c.5253G>A on transcript NM_032242.4 (MANE Select); coding-DNA position 5253, G replaced by A.
Protein change: p.Val1751=; no amino-acid change (valine 1751 retained).
Molecular consequence: synonymous variant.
Genome position (GRCh38, 1-based): chr3:127,032,408, G>A. VCF-style: chr3-127032408-G-A. GRCh37 (hg19) VCF-style: chr3-126751251-G-A.
Identifiers: ClinVar variation 3030126 (VCV003030126.2), dbSNP rs1244589965, ClinGen allele CA435760579.